The following is an entry in ClinVar:

ClinVar aggregate classification (germline): Uncertain significance. Review status: criteria provided, multiple submitters, no conflicts (2 of 4 stars). 2 submissions from 2 submitters: Uncertain significance (2). Last evaluated 2024-11-28.

Conditions:
Inborn genetic diseases. Identifiers: MedGen C0950123, MeSH D030342.
Baller-Gerold syndrome (BGS). Also called: CRANIOSYNOSTOSIS WITH RADIAL DEFECTS. Identifiers: Orphanet 1225, MedGen C0265308, MONDO:0009039, OMIM 218600.

Allele frequency attached by ClinVar (database versions not stated): TOPMed 0.00001; gnomAD 0.00002.

Submissions (2):

Ambry Genetics
Classification: Uncertain significance for Inborn genetic diseases. Last evaluated: 2024-11-28. Review status: criteria provided, single submitter. Criteria: Ambry Variant Classification Scheme 2023. Collection method: clinical testing. Allele origin: germline.
Comment: The p.R696H variant (also known as c.2087G>A), located in coding exon 13 of the RECQL4 gene, results from a G to A substitution at nucleotide position 2087. The arginine at codon 696 is replaced by histidine, an amino acid with highly similar properties. This amino acid position is conserved. In addition, the in silico prediction for this alteration is inconclusive. Based on the available evidence, the clinical significance of this variant remains unclear.

Labcorp Genetics (formerly Invitae), Labcorp
Classification: Uncertain significance for Baller-Gerold syndrome. Last evaluated: 2024-10-09. Review status: criteria provided, single submitter. Criteria: Invitae Variant Classification Sherloc (09022015). Collection method: clinical testing. Allele origin: germline.
Comment: This sequence change replaces arginine, which is basic and polar, with histidine, which is basic and polar, at codon 696 of the RECQL4 protein (p.Arg696His). This variant is present in population databases (no rsID available, gnomAD 0.01%). This variant has not been reported in the literature in individuals affected with RECQL4-related conditions. ClinVar contains an entry for this variant (Variation ID: 406947). Invitae Evidence Modeling of protein sequence and biophysical properties (such as structural, functional, and spatial information, amino acid conservation, physicochemical variation, residue mobility, and thermodynamic stability) indicates that this missense variant is expected to disrupt RECQL4 protein function with a positive predictive value of 80%. In summary, the available evidence is currently insufficient to determine the role of this variant in disease. Therefore, it has been classified as a Variant of Uncertain Significance.

NM_004260.4(RECQL4):c.2087G>A (p.Arg696His)

Gene: RECQL4 (RecQ like helicase 4; minus strand). Cytogenetic location: 8q24.3.
Variant type: single nucleotide variant.
Coding change: c.2087G>A on transcript NM_004260.4 (MANE Select); coding-DNA position 2087, G replaced by A.
Protein change: p.Arg696His; replaces arginine 696 with histidine.
Molecular consequence: missense variant.
Genome position (GRCh38, 1-based): chr8:144,513,684, C>T on the plus strand (G>A on the coding strand, the complement: RECQL4 is on the minus strand). VCF-style: chr8-144513684-C-T. GRCh37 (hg19) VCF-style: chr8-145739068-C-T.
Other names: short protein forms R696H.
Identifiers: ClinVar variation 406947 (VCV000406947.8), dbSNP rs1026729951, ClinGen allele CA16612256.